The following is an entry in ClinVar:

ClinVar aggregate classification (germline): Uncertain significance (1 of 4 stars; one submission).

Conditions:
Charcot-Marie-Tooth Neuropathy X. Identifiers: MedGen CN118851.

Submission:

Labcorp Genetics (formerly Invitae), Labcorp
Classification: Uncertain significance for Charcot-Marie-Tooth Neuropathy X. Last evaluated: 2018-01-22. Review status: criteria provided, single submitter. Criteria: Invitae Variant Classification Sherloc (09022015). Collection method: clinical testing. Allele origin: germline.
Comment: This sequence change replaces serine with alanine at codon 78 of the GJB1 protein (p.Ser78Ala). The serine residue is moderately conserved and there is a moderate physicochemical difference between serine and alanine. A different missense substitution at this codon (p.Ser78Phe) has been reported in individuals affected with Charcot-Marie-Tooth disease (PMID: 23011429, 28286897). In summary, the available evidence is currently insufficient to determine the role of this variant in disease. Therefore, it has been classified as a Variant of Uncertain Significance. Algorithms developed to predict the effect of missense changes on protein structure and function output the following: SIFT: "Tolerated"; PolyPhen-2: "Benign"; Align-GVGD: "Class C0". The alanine amino acid residue is found in multiple mammalian species, suggesting that this missense change does not adversely affect protein function. These predictions have not been confirmed by published functional studies and their clinical significance is uncertain. This variant has not been reported in the literature in individuals with GJB1-related disease. This variant is not present in population databases (ExAC no frequency).

Literature cited by the submitters: PubMed 23011429; PubMed 28286897.

NM_000166.6(GJB1):c.232T>G (p.Ser78Ala)

Gene: GJB1 (gap junction protein beta 1; plus strand). Cytogenetic location: Xq13.1.
Variant type: single nucleotide variant.
Coding change: c.232T>G on transcript NM_000166.6 (MANE Select); coding-DNA position 232, T replaced by G.
Protein change: p.Ser78Ala; replaces serine 78 with alanine.
Molecular consequence: missense variant.
Genome position (GRCh38, 1-based): chrX:71,223,939, T>G. VCF-style: chrX-71223939-T-G. GRCh37 (hg19) VCF-style: chrX-70443789-T-G.
Other names: c.232T>G, p.Ser78Ala (NM_001097642.3); short protein forms S78A.
Identifiers: ClinVar variation 565346 (VCV000565346.8), dbSNP rs1569215156, ClinGen allele CA413501602.